The following is an entry in ClinVar:

NM_138576.4(BCL11B):c.2262G>A (p.Thr754=)

Gene: BCL11B (BCL11 transcription factor B; minus strand). Cytogenetic location: 14q32.2.
Variant type: single nucleotide variant.
Coding change: c.2262G>A on transcript NM_138576.4 (MANE Select); coding-DNA position 2262, G replaced by A.
Protein change: p.Thr754=; no amino-acid change (threonine 754 retained).
Molecular consequence: synonymous variant.
Genome position (GRCh38, 1-based): chr14:99,174,574, C>T on the plus strand (G>A on the coding strand, the complement: BCL11B is on the minus strand). VCF-style: chr14-99174574-C-T. GRCh37 (hg19) VCF-style: chr14-99640911-C-T.
Other names: c.2259G>A, p.Thr753= (NM_001282237.2); c.2046G>A, p.Thr682= (NM_001282238.2); c.2049G>A, p.Thr683= (NM_022898.3).
Identifiers: ClinVar variation 1594250 (VCV001594250.33), dbSNP rs750831905, ClinGen allele CA7339510.

ClinVar aggregate classification (germline): Likely benign. Review status: criteria provided, multiple submitters, no conflicts (2 of 4 stars). 3 submissions from 3 submitters: Likely benign (3). Last evaluated 2025-11-15.

Allele frequency attached by ClinVar (database versions not stated): TOPMed 0.00007; gnomAD exomes 0.00008 and 0.00012; ExAC 0.00017.
gnomAD v4.1: 180 of 1,518,770 alleles (0.012%); highest among the groups gnomAD compares: Non-Finnish European, 0.015%; no homozygotes.

Submissions (3):

Labcorp Genetics (formerly Invitae), Labcorp
Classification: Likely benign. Last evaluated: 2025-11-15. Review status: criteria provided, single submitter. Criteria: Invitae Variant Classification Sherloc (09022015). Collection method: clinical testing. Allele origin: germline.

CeGaT Center for Human Genetics Tuebingen
Classification: Likely benign. Last evaluated: 2024-07-01. Review status: criteria provided, single submitter. Criteria: CeGaT Center For Human Genetics Tuebingen Variant Classification Criteria Version 2. Collection method: clinical testing. Allele origin: germline. Affected: yes. Observed: 3 variant alleles.
Comment: BCL11B: BP4, BP7

Blueprint Genetics
Classification: Likely benign. Last evaluated: 2022-05-09. Review status: criteria provided, single submitter. Criteria: ACMG Guidelines, 2015. Collection method: clinical testing. Allele origin: germline.